The following is an entry in ClinVar:

ClinVar aggregate classification (germline): Pathogenic. Review status: criteria provided, multiple submitters, no conflicts (2 of 4 stars). 2 submissions from 2 submitters: Pathogenic (2). Last evaluated 2025-07-23.

Conditions:
Baraitser-winter syndrome 2. Identifiers: Orphanet 2995, MedGen C3281235, MONDO:0013812, OMIM 614583.

Submissions (2):

GeneDx
Classification: Pathogenic. Last evaluated: 2025-07-23. Review status: criteria provided, single submitter. Criteria: GeneDx Variant Classification Process June 2021. Collection method: clinical testing. Allele origin: germline. Affected: yes.
Comment: Not observed at significant frequency in large population cohorts (gnomAD); Published in vivo and in vitro functional studies demonstrate altered cytoskeleton composition (PMID: 28493397); Missense variants in this gene are a common cause of disease and they are underrepresented in the general population; In silico analysis supports that this missense variant has a deleterious effect on protein structure/function; This variant is associated with the following publications: (PMID: 35054877, 28493397, 37236975)

Genomic Medicine Lab, University of California San Francisco
Classification: Pathogenic for Baraitser-winter syndrome 2. Last evaluated: 2019-04-25. Review status: criteria provided, single submitter. Criteria: ACMG Guidelines, 2015. Collection method: clinical testing. Allele origin: de novo. Inheritance: Autosomal dominant inheritance. Affected: yes. Study: CSER-P3EGS.

NM_001614.5(ACTG1):c.209C>T (p.Pro70Leu)

Gene: ACTG1 (actin gamma 1; minus strand). Cytogenetic location: 17q25.3.
Variant type: single nucleotide variant.
Coding change: c.209C>T on transcript NM_001614.5 (MANE Select); coding-DNA position 209, C replaced by T.
Protein change: p.Pro70Leu; replaces proline 70 with leucine.
Molecular consequence: missense variant. On other transcripts: non-coding transcript variant (1).
Genome position (GRCh38, 1-based): chr17:81,512,057, G>A on the plus strand (C>T on the coding strand, the complement: ACTG1 is on the minus strand). VCF-style: chr17-81512057-G-A. GRCh37 (hg19) VCF-style: chr17-79479083-G-A.
Other names: c.209C>T (NM_001614.3); c.209C>T, p.Pro70Leu (NM_001199954.3); short protein forms P70L.
Identifiers: ClinVar variation 1065444 (VCV001065444.3), dbSNP rs2143783696, ClinGen allele CA401463170.